The following is an entry in ClinVar:

NM_000199.5(SGSH):c.496C>T (p.Gln166Ter)

Gene: SGSH (N-sulfoglucosamine sulfohydrolase; minus strand). Cytogenetic location: 17q25.3.
Variant type: single nucleotide variant.
Coding change: c.496C>T on transcript NM_000199.5 (MANE Select); coding-DNA position 496, C replaced by T.
Protein change: p.Gln166Ter; replaces glutamine 166 with a stop codon.
Molecular consequence: nonsense. On other transcripts: non-coding transcript variant (1).
Genome position (GRCh38, 1-based): chr17:80,214,625, G>A on the plus strand (C>T on the coding strand, the complement: SGSH is on the minus strand). VCF-style: chr17-80214625-G-A. GRCh37 (hg19) VCF-style: chr17-78188424-G-A.
Other names: c.496C>T (NM_000199.4); c.496C>T, p.Gln166Ter (NM_001352921.3, NM_001352922.2); short protein forms Q166*.
Identifiers: ClinVar variation 2757203 (VCV002757203.5), dbSNP rs2510893525, ClinGen allele CA401362468.

ClinVar aggregate classification (germline): Pathogenic/Likely pathogenic. Review status: criteria provided, multiple submitters, no conflicts (2 of 4 stars). 3 submissions from 3 submitters: Pathogenic (2); Likely pathogenic (1). Last evaluated 2025-09-29.

Conditions:
Mucopolysaccharidosis, MPS-III-A (MPS3A). Also called: Mucopolysaccharidosis type IIIA (Sanfilippo A); Mucopolysaccharidosis, type IIIA; mucopolysaccharidosis type 3A; MPS IIIA (Sanfilippo Syndrome Type A); HEPARAN SULFATE SULFATASE DEFICIENCY; SANFILIPPO SYNDROME A. Identifiers: Orphanet 581, Orphanet 79269, MedGen C0086647, MONDO:0009655, OMIM 252900.

Allele frequency attached by ClinVar (database versions not stated): gnomAD exomes below 0.00001.

Submissions (3):

Natera, Inc.
Classification: Likely pathogenic for Mucopolysaccharidosis type IIIA. Last evaluated: 2025-09-29. Review status: criteria provided, single submitter. Criteria: Natera Variant Classification Schema (03/2026). Collection method: clinical testing. Allele origin: germline.
Comment: The c.496C>T variant in SGSH is a nonsense variant predicted to introduce a stop codon at amino acid 166. This variant is expected to result in nonsense mediated decay, truncation, or a dysfunctional protein product. This variant is rare in the general population with a frequency below the threshold expected for the associated phenotype(s). Given the available evidence, this variant is classified as Likely Pathogenic.

3billion
Classification: Pathogenic for Mucopolysaccharidosis, MPS-III-A. Last evaluated: 2024-10-15. Review status: criteria provided, single submitter. Criteria: ACMG Guidelines, 2015. Collection method: clinical testing. Allele origin: germline. Affected: yes.
Comment: The variant is observed at an extremely low frequency in the gnomAD v4.1.0 dataset (total allele frequency: <0.001%). Predicted Consequence/Location: Stop-gained (nonsense): predicted to result in a loss or disruption of normal protein function through nonsense-mediated decay (NMD) or protein truncation. Multiple pathogenic variants are reported downstream of the variant. The variant has been reported to be associated with SGSH related disorder (ClinVar ID: VCV002757203). Therefore, this variant is classified as Pathogenic according to the recommendation of ACMG/AMP guideline.

Labcorp Genetics (formerly Invitae), Labcorp
Classification: Pathogenic for Mucopolysaccharidosis, MPS-III-A. Last evaluated: 2023-09-05. Review status: criteria provided, single submitter. Criteria: Invitae Variant Classification Sherloc (09022015). Collection method: clinical testing. Allele origin: germline.
Comment: For these reasons, this variant has been classified as Pathogenic. This variant has not been reported in the literature in individuals affected with SGSH-related conditions. This variant is not present in population databases (gnomAD no frequency). This sequence change creates a premature translational stop signal (p.Gln166*) in the SGSH gene. It is expected to result in an absent or disrupted protein product. Loss-of-function variants in SGSH are known to be pathogenic (PMID: 11182930, 21204211, 22976768).

Literature cited by the submitters: PubMed 11182930 (cited by Labcorp Genetics (formerly Invitae), Labcorp); PubMed 21204211 (cited by Labcorp Genetics (formerly Invitae), Labcorp); PubMed 22976768 (cited by Labcorp Genetics (formerly Invitae), Labcorp).